The following is an entry in ClinVar:

NM_000059.4(BRCA2):c.9256+4917C>T

Gene: BRCA2 (BRCA2 DNA repair associated; plus strand). Cytogenetic location: 13q13.1.
Variant type: single nucleotide variant.
Coding change: c.9256+4917C>T on transcript NM_000059.4 (MANE Select); 4917 bases into the intron after coding-DNA position 9256, C replaced by T.
Molecular consequence: intron variant.
Genome position (GRCh38, 1-based): chr13:32,385,062, C>T. VCF-style: chr13-32385062-C-T. GRCh37 (hg19) VCF-style: chr13-32959199-C-T.
Other names: IVS 24+4917C>T.
Identifiers: ClinVar variation 209952 (VCV000209952.2), dbSNP rs2238162, ClinGen allele CA276919.

ClinVar aggregate classification (germline): Benign. Review status: reviewed by expert panel (3 of 4 stars). 2 submissions from 2 submitters: Benign (1). 1 of the submissions does not count toward it. Last evaluated 2015-01-12.

Conditions:
Breast-ovarian cancer, familial, susceptibility to, 2 (BROVCA2). Also called: BRCA2 Hereditary Breast and Ovarian Cancer. Identifiers: Orphanet 145, MedGen C2675520, MONDO:0012933, OMIM 612555. Disease mechanism: loss of function.

Allele frequency attached by ClinVar (database versions not stated): 1000 Genomes Project 30x 0.50859; TOPMed 0.51028; 1000 Genomes Project 0.51158; gnomAD 0.51793 and 0.51794; gnomAD exomes 0.52729.
gnomAD v4.1: 154,983 of 296,974 alleles (52%); highest among the groups gnomAD compares: East Asian, 60%; 40,704 homozygotes.

Submissions (2):

Evidence-based Network for the Interpretation of Germline Mutant Alleles (ENIGMA)
Classification: Benign for Breast-ovarian cancer, familial 2. Last evaluated: 2015-01-12. Review status: reviewed by expert panel. Criteria: ENIGMA BRCA1/2 Classification Criteria (2015). Collection method: curation. Allele origin: germline.
Comment: Class 1 not pathogenic based on frequency >1% in an outbred sampleset. Frequency 0.549 (Asian), 0.502 (African), 0.5383 (European), derived from 1000 genomes (2012-04-30).

Breakthrough Genomics
Classification: Benign. Review status: criteria provided, single submitter. Criteria: ACMG Guidelines, 2015. Collection method: not provided. Allele origin: germline. Inheritance: Autosomal recessive inheritance. Affected: yes. Not counted in ClinVar's aggregate classification.